The following is an entry in ClinVar:

ClinVar aggregate classification (germline): Uncertain significance (1 of 4 stars; one submission).

Conditions:
Cardiovascular phenotype. Identifiers: MedGen CN230736.

Submission:

Ambry Genetics
Classification: Uncertain significance for Cardiovascular phenotype. Last evaluated: 2022-11-04. Review status: criteria provided, single submitter. Criteria: Ambry Variant Classification Scheme 2023. Collection method: clinical testing. Allele origin: germline.
Comment: The p.E3134D variant (also known as c.9402A>C), located in coding exon 26 of the APOB gene, results from an A to C substitution at nucleotide position 9402. The glutamic acid at codon 3134 is replaced by aspartic acid, an amino acid with highly similar properties. This amino acid position is conserved. In addition, this alteration is predicted to be tolerated by in silico analysis. Since supporting evidence is limited at this time, the clinical significance of this alteration remains unclear.

NM_000384.3(APOB):c.9402A>C (p.Glu3134Asp)

Gene: APOB (apolipoprotein B; minus strand). Cytogenetic location: 2p24.1.
Variant type: single nucleotide variant.
Coding change: c.9402A>C on transcript NM_000384.3 (MANE Select); coding-DNA position 9402, A replaced by C.
Protein change: p.Glu3134Asp; replaces glutamic acid 3134 with aspartic acid.
Molecular consequence: missense variant.
Genome position (GRCh38, 1-based): chr2:21,007,466, T>G on the plus strand (A>C on the coding strand, the complement: APOB is on the minus strand). VCF-style: chr2-21007466-T-G. GRCh37 (hg19) VCF-style: chr2-21230338-T-G.
Other names: short protein forms E3134D.
Identifiers: ClinVar variation 3231474 (VCV003231474.1), dbSNP rs2465363139, ClinGen allele CA345990241.